The following is an entry in ClinVar:

NM_004415.4(DSP):c.7031C>G (p.Thr2344Arg)

Gene: DSP (desmoplakin; plus strand). Cytogenetic location: 6p24.3.
Variant type: single nucleotide variant.
Coding change: c.7031C>G on transcript NM_004415.4 (MANE Select); coding-DNA position 7031, C replaced by G.
Protein change: p.Thr2344Arg; replaces threonine 2344 with arginine.
Molecular consequence: missense variant.
Genome position (GRCh38, 1-based): chr6:7,584,293, C>G. VCF-style: chr6-7584293-C-G. GRCh37 (hg19) VCF-style: chr6-7584526-C-G.
Other names: c.5234C>G, p.Thr1745Arg (NM_001008844.3); c.5702C>G, p.Thr1901Arg (NM_001319034.2); short protein forms T1901R, T2344R, T1745R.
Identifiers: ClinVar variation 2042215 (VCV002042215.8), dbSNP rs746413668, ClinGen allele CA048939.

ClinVar aggregate classification (germline): Uncertain significance. Review status: criteria provided, multiple submitters, no conflicts (2 of 4 stars). 4 submissions from 4 submitters: Uncertain significance (4). Last evaluated 2026-04-02.

Conditions:
Arrhythmogenic right ventricular dysplasia 8 (ARVD8). Also called: Arrhythmogenic Right Ventricular Dysplasia/Cardiomyopathy 8; ARRHYTHMOGENIC RIGHT VENTRICULAR DYSPLASIA, FAMILIAL, 8; ARRHYTHMOGENIC RIGHT VENTRICULAR CARDIOMYOPATHY 8. Identifiers: MedGen C1843896, MONDO:0011831, OMIM 607450.
Arrhythmogenic cardiomyopathy with wooly hair and keratoderma. Also called: PALMOPLANTAR KERATODERMA WITH LEFT VENTRICULAR CARDIOMYOPATHY AND WOOLLY HAIR; Carvajal syndrome; Dilated cardiomyopathy with woolly hair and keratoderma; Arrhythmogenic cardiomyopathy with woolly hair and keratoderma. Identifiers: Orphanet 65282, MedGen C1854063, MONDO:0011581, OMIM 605676.
Cardiovascular phenotype. Identifiers: MedGen CN230736.
Cardiomyopathy (CMYO). Also called: Cardiomyopathies. Identifiers: Orphanet 167848, MedGen C0878544, MONDO:0004994, HP:0001638. Inheritance: Various modes of inheritance.

Allele frequency attached by ClinVar (database versions not stated): ExAC 0.00001.
gnomAD v4.1: 10 of 1,614,184 alleles (0.00062%); highest among the groups gnomAD compares: Non-Finnish European, 0.00085%; no homozygotes.

Submissions (4):

Ambry Genetics
Classification: Uncertain significance for Cardiovascular phenotype. Last evaluated: 2026-04-02. Review status: criteria provided, single submitter. Criteria: Ambry Variant Classification Scheme 2023. Collection method: clinical testing. Allele origin: germline.
Comment: The p.T2344R variant (also known as c.7031C>G), located in coding exon 24 of the DSP gene, results from a C to G substitution at nucleotide position 7031. The threonine at codon 2344 is replaced by arginine, an amino acid with similar properties. This amino acid position is conserved. In addition, this alteration is predicted to be deleterious by in silico analysis. Based on the available evidence, the clinical significance of this variant remains unclear.

Labcorp Genetics (formerly Invitae), Labcorp
Classification: Uncertain significance for Arrhythmogenic cardiomyopathy with wooly hair and keratoderma; Arrhythmogenic right ventricular dysplasia 8. Last evaluated: 2025-06-11. Review status: criteria provided, single submitter. Criteria: Invitae Variant Classification Sherloc (09022015). Collection method: clinical testing. Allele origin: germline.
Comment: This sequence change replaces threonine, which is neutral and polar, with arginine, which is basic and polar, at codon 2344 of the DSP protein (p.Thr2344Arg). This variant is present in population databases (rs746413668, gnomAD 0.0009%). This variant has not been reported in the literature in individuals affected with DSP-related conditions. ClinVar contains an entry for this variant (Variation ID: 2042215). An algorithm developed to predict the effect of missense changes on protein structure and function (PolyPhen-2) suggests that this variant is likely to be disruptive. In summary, the available evidence is currently insufficient to determine the role of this variant in disease. Therefore, it has been classified as a Variant of Uncertain Significance.

All of Us Research Program, National Institutes of Health
Classification: Uncertain significance for Arrhythmogenic cardiomyopathy with wooly hair and keratoderma. Last evaluated: 2023-11-30. Review status: criteria provided, single submitter. Criteria: ACMG Guidelines, 2015. Collection method: clinical testing. Allele origin: germline. Inheritance: Autosomal dominant inheritance. Observed: 2 variant alleles, 2 heterozygotes.
Comment: This missense variant replaces threonine with arginine at codon 2344 of the DSP protein. Computational prediction is inconclusive regarding the impact of this variant on protein structure and function (internally defined REVEL score threshold 0.5 < inconclusive < 0.7, PMID: 27666373). To our knowledge, functional studies have not been reported for this variant. This variant has not been reported in individuals affected with DSP-related disorders in the literature. This variant has been identified in 1/251396 chromosomes in the general population by the Genome Aggregation Database (gnomAD). The available evidence is insufficient to determine the role of this variant in disease conclusively. Therefore, this variant is classified as a Variant of Uncertain Significance.

This study involves interpretation of variants in research participants for the purpose of population health screening. Participant phenotype was not available at the time of variant classification. Additional details can be found in publication PMID: 35346344, PMCID: PMC8962531

Color Diagnostics, LLC DBA Color Health
Classification: Uncertain significance for Cardiomyopathy. Last evaluated: 2023-04-17. Review status: criteria provided, single submitter. Criteria: ACMG Guidelines, 2015. Collection method: clinical testing. Allele origin: germline.
Comment: This missense variant replaces threonine with arginine at codon 2344 of the DSP protein. Computational prediction is inconclusive regarding the impact of this variant on protein structure and function (internally defined REVEL score threshold 0.5 < inconclusive < 0.7, PMID: 27666373). To our knowledge, functional studies have not been reported for this variant. This variant has not been reported in individuals affected with DSP-related disorders in the literature. This variant has been identified in 1/251396 chromosomes in the general population by the Genome Aggregation Database (gnomAD). The available evidence is insufficient to determine the role of this variant in disease conclusively. Therefore, this variant is classified as a Variant of Uncertain Significance.